The following is an entry in ClinVar:

ClinVar aggregate classification (germline): Pathogenic (1 of 4 stars; one submission).

Conditions:
Carnitine palmitoyltransferase II deficiency. Also called: Carnitine Palmitoyltransferase 2 Deficiency. Identifiers: Orphanet 157, MedGen C0342790, MONDO:0015515.

Submission:

Labcorp Genetics (formerly Invitae), Labcorp
Classification: Pathogenic for Carnitine palmitoyltransferase II deficiency. Last evaluated: 2021-12-03. Review status: criteria provided, single submitter. Criteria: Invitae Variant Classification Sherloc (09022015). Collection method: clinical testing. Allele origin: germline.
Comment: This sequence change creates a premature translational stop signal (p.Arg241*) in the CPT2 gene. It is expected to result in an absent or disrupted protein product. Loss-of-function variants in CPT2 are known to be pathogenic (PMID: 16781677, 16996287). For these reasons, this variant has been classified as Pathogenic. This variant has not been reported in the literature in individuals affected with CPT2-related conditions. This variant is not present in population databases (gnomAD no frequency).

Literature cited by the submitters: PubMed 16781677; PubMed 16996287.

NM_000098.3(CPT2):c.721A>T (p.Arg241Ter)

Gene: CPT2 (carnitine palmitoyltransferase 2; plus strand). Cytogenetic location: 1p32.3.
Variant type: single nucleotide variant.
Coding change: c.721A>T on transcript NM_000098.3 (MANE Select); coding-DNA position 721, A replaced by T.
Protein change: p.Arg241Ter; replaces arginine 241 with a stop codon.
Molecular consequence: nonsense.
Genome position (GRCh38, 1-based): chr1:53,210,395, A>T. VCF-style: chr1-53210395-A-T. GRCh37 (hg19) VCF-style: chr1-53676067-A-T.
Other names: c.721A>T, p.Arg241Ter (NM_001330589.2); short protein forms R241*.
Identifiers: ClinVar variation 1441122 (VCV001441122.6), dbSNP rs200252755, ClinGen allele CA340393446.
Genomic context (GRCh38, chr1:53,210,395, plus strand): 5'-TTCAACTCAACTCGTTTACCCAAACCCAGTCGGGATGAACTCTTCACTGATGACAAGGCC[A>T]GACACCTCCTGGTCCTAAGGAAAGGAAATTTTTATATCTTTGATGTCCTGGATCAAGATG-3'